The following is an entry in ClinVar:

NM_004260.4(RECQL4):c.266G>C (p.Ser89Thr)

Gene: RECQL4 (RecQ like helicase 4; minus strand). Cytogenetic location: 8q24.3.
Variant type: single nucleotide variant.
Coding change: c.266G>C on transcript NM_004260.4 (MANE Select); coding-DNA position 266, G replaced by C.
Protein change: p.Ser89Thr; replaces serine 89 with threonine.
Molecular consequence: missense variant.
Genome position (GRCh38, 1-based): chr8:144,517,138, C>G on the plus strand (G>C on the coding strand, the complement: RECQL4 is on the minus strand). VCF-style: chr8-144517138-C-G. GRCh37 (hg19) VCF-style: chr8-145742522-C-G.
Other names: c.266G>C (NM_004260.3); short protein forms S89T.
Identifiers: ClinVar variation 1386440 (VCV001386440.7), dbSNP rs372648595, ClinGen allele CA372692209.

ClinVar aggregate classification (germline): Uncertain significance. Review status: criteria provided, multiple submitters, no conflicts (2 of 4 stars). 2 submissions from 2 submitters: Uncertain significance (2). Last evaluated 2024-12-13.

Conditions:
Baller-Gerold syndrome (BGS). Also called: CRANIOSYNOSTOSIS WITH RADIAL DEFECTS. Identifiers: Orphanet 1225, MedGen C0265308, MONDO:0009039, OMIM 218600.
Inborn genetic diseases. Identifiers: MedGen C0950123, MeSH D030342.

gnomAD v4.1: 12 of 1,611,562 alleles (0.00074%); highest among the groups gnomAD compares: South Asian, 0.012%; no homozygotes.

Submissions (2):

Ambry Genetics
Classification: Uncertain significance for Inborn genetic diseases. Last evaluated: 2024-12-13. Review status: criteria provided, single submitter. Criteria: Ambry Variant Classification Scheme 2023. Collection method: clinical testing. Allele origin: germline.
Comment: The p.S89T variant (also known as c.266G>C), located in coding exon 4 of the RECQL4 gene, results from a G to C substitution at nucleotide position 266. The serine at codon 89 is replaced by threonine, an amino acid with similar properties. This amino acid position is conserved. In addition, this alteration is predicted to be tolerated by in silico analysis. Based on the available evidence, the clinical significance of this variant remains unclear.

Labcorp Genetics (formerly Invitae), Labcorp
Classification: Uncertain significance for Baller-Gerold syndrome. Last evaluated: 2021-03-10. Review status: criteria provided, single submitter. Criteria: Invitae Variant Classification Sherloc (09022015). Collection method: clinical testing. Allele origin: germline.
Comment: This sequence change replaces serine with threonine at codon 89 of the RECQL4 protein (p.Ser89Thr). The serine residue is moderately conserved and there is a small physicochemical difference between serine and threonine. This variant is not present in population databases (ExAC no frequency). This variant has not been reported in the literature in individuals with RECQL4-related conditions. Experimental studies and prediction algorithms are not available or were not evaluated, and the functional significance of this variant is currently unknown. In summary, the available evidence is currently insufficient to determine the role of this variant in disease. Therefore, it has been classified as a Variant of Uncertain Significance.